The following is an entry in ClinVar:

NM_015046.7(SETX):c.3116T>C (p.Ile1039Thr)

Gene: SETX (senataxin; minus strand). Cytogenetic location: 9q34.13.
Variant type: single nucleotide variant.
Coding change: c.3116T>C on transcript NM_015046.7 (MANE Select); coding-DNA position 3116, T replaced by C.
Protein change: p.Ile1039Thr; replaces isoleucine 1039 with threonine.
Molecular consequence: missense variant.
Genome position (GRCh38, 1-based): chr9:132,328,482, A>G on the plus strand (T>C on the coding strand, the complement: SETX is on the minus strand). VCF-style: chr9-132328482-A-G. GRCh37 (hg19) VCF-style: chr9-135203869-A-G.
Other names: c.3116T>C, p.Ile1039Thr (NM_001351527.2, NM_001351528.2); short protein forms I1039T.
Identifiers: ClinVar variation 4682332 (VCV004682332.1).

ClinVar aggregate classification (germline): Uncertain significance (1 of 4 stars; one submission).

Submission:

Athena Diagnostics
Classification: Uncertain significance. Last evaluated: 2024-12-31. Review status: criteria provided, single submitter. Criteria: Athena Diagnostics Criteria. Collection method: clinical testing. Allele origin: unknown.
Comment: Available data are insufficient to determine the clinical significance of the variant at this time. This variant has not been reported in large, multi-ethnic general populations. Polyphen and MutationTaster predict this amino acid change may be benign.